The following is an entry in ClinVar:

ClinVar aggregate classification (germline): Uncertain significance. Review status: criteria provided, multiple submitters, no conflicts (2 of 4 stars). 5 submissions from 5 submitters: Uncertain significance (5). Last evaluated 2025-07-02.

Conditions:
Familial thoracic aortic aneurysm and aortic dissection (TAAD). Also called: Thoracic aortic aneurysms and dissections. Identifiers: Orphanet 91387, MedGen C4707243, MONDO:0019625.
Ehlers-Danlos syndrome, type 4 (EDSVASC). Also called: Ehlers-Danlos syndrome vascular type; Ehlers Danlos syndrome, ecchymotic type; Ehlers Danlos syndrome, arterial type; Ehlers Danlos syndrome, Sack-Barabas type; Ehlers-Danlos Syndrome Type IV. Identifiers: Orphanet 286, MedGen C0268338, MONDO:0017314, OMIM 130050.

Allele frequency attached by ClinVar (database versions not stated): TOPMed below 0.00001; gnomAD 0.00001.
gnomAD v4.1: 13 of 1,614,060 alleles (0.00081%); highest among the groups gnomAD compares: Non-Finnish European, 0.001%; no homozygotes.

Submissions (5):

Color Diagnostics, LLC DBA Color Health
Classification: Uncertain significance for Familial thoracic aortic aneurysm and aortic dissection. Last evaluated: 2025-07-02. Review status: criteria provided, single submitter. Criteria: ACMG Guidelines, 2015. Collection method: clinical testing. Allele origin: germline.
Comment: This missense variant replaces glycine with aspartic acid at codon 1198 of the COL3A1 protein. Computational prediction suggests that this variant may not impact protein structure and function. To our knowledge, functional studies have not been reported for this variant. This variant has been reported in an individual affected with familial thoracic aortic aneurysm and dissection (PMID: 30675029). This variant has been identified in 5/251366 chromosomes in the general population by the Genome Aggregation Database (gnomAD). The available evidence is insufficient to determine the role of this variant in disease conclusively. Therefore, this variant is classified as a Variant of Uncertain Significance.

Labcorp Genetics (formerly Invitae), Labcorp
Classification: Uncertain significance for Ehlers-Danlos syndrome, type 4. Last evaluated: 2024-08-17. Review status: criteria provided, single submitter. Criteria: Invitae Variant Classification Sherloc (09022015). Collection method: clinical testing. Allele origin: germline.
Comment: This sequence change replaces glycine, which is neutral and non-polar, with aspartic acid, which is acidic and polar, at codon 1198 of the COL3A1 protein (p.Gly1198Asp). This variant is present in population databases (no rsID available, gnomAD 0.004%). This missense change has been observed in individual(s) with thoracic aortic aneurysm/dissection (PMID: 30675029). ClinVar contains an entry for this variant (Variation ID: 655850). Invitae Evidence Modeling of protein sequence and biophysical properties (such as structural, functional, and spatial information, amino acid conservation, physicochemical variation, residue mobility, and thermodynamic stability) indicates that this missense variant is not expected to disrupt COL3A1 protein function with a negative predictive value of 95%. In summary, the available evidence is currently insufficient to determine the role of this variant in disease. Therefore, it has been classified as a Variant of Uncertain Significance.

GeneDx
Classification: Uncertain significance. Last evaluated: 2024-05-15. Review status: criteria provided, single submitter. Criteria: GeneDx Variant Classification Process June 2021. Collection method: clinical testing. Allele origin: germline. Affected: yes.
Comment: Has been reported in a patient with a personal and family history of TAAD who also harbored a COL2A1 variant (PMID: 30675029); Not observed at significant frequency in large population cohorts (gnomAD); In silico analysis indicates that this missense variant does not alter protein structure/function; Not located in the triple helical region, where the majority of pathogenic missense variants occur (HGMD); This variant is associated with the following publications: (PMID: 30675029)

All of Us Research Program, National Institutes of Health
Classification: Uncertain significance for Ehlers-Danlos syndrome, type 4. Last evaluated: 2023-12-01. Review status: criteria provided, single submitter. Criteria: ACMG Guidelines, 2015. Collection method: clinical testing. Allele origin: germline. Inheritance: Autosomal dominant inheritance. Observed: 4 variant alleles, 4 heterozygotes.
Comment: This missense variant replaces glycine with aspartic acid at codon 1198 of the COL3A1 protein. Computational prediction suggests that this variant may not impact protein structure and function (internally defined REVEL score threshold <= 0.5, PMID: 27666373). To our knowledge, functional studies have not been reported for this variant. This variant has not been reported in individuals affected with cardiovascular disorders in the literature. This variant has been identified in 5/251366 chromosomes in the general population by the Genome Aggregation Database (gnomAD). The available evidence is insufficient to determine the role of this variant in disease conclusively. Therefore, this variant is classified as a Variant of Uncertain Significance.

This study involves interpretation of variants in research participants for the purpose of population health screening. Participant phenotype was not available at the time of variant classification. Additional details can be found in publication PMID: 35346344, PMCID: PMC8962531

Ambry Genetics
Classification: Uncertain significance for Familial thoracic aortic aneurysm and aortic dissection. Last evaluated: 2019-07-30. Review status: criteria provided, single submitter. Criteria: Ambry Variant Classification Scheme 2023. Collection method: clinical testing. Allele origin: germline.
Comment: The p.G1198D variant (also known as c.3593G>A), located in coding exon 48 of the COL3A1 gene, results from a G to A substitution at nucleotide position 3593. The glycine at codon 1198 is replaced by aspartic acid, an amino acid with similar properties, and is located in the C-terminal region. The majority (approximately two-thirds) of COL3A1 mutations identified to date have involved the substitution of another amino acid for glycine within the triple-helical domain (Pepin MG et al. Genet Med. 2014;16(12):881-8; Frank M et al. Eur J Hum Genet. 2015;23(12):1657-64). This amino acid position is highly conserved in available vertebrate species; however, aspartic acid is the reference amino acid in other vertebrate species. In addition, this alteration is predicted to be tolerated by in silico analysis. Since supporting evidence is limited at this time, the clinical significance of this alteration remains unclear.

Literature cited by the submitters: PubMed 30675029 (cited by Color Diagnostics, LLC DBA Color Health and Labcorp Genetics (formerly Invitae), Labcorp).

NM_000090.4(COL3A1):c.3593G>A (p.Gly1198Asp)

Gene: COL3A1 (collagen type III alpha 1 chain; plus strand). Cytogenetic location: 2q32.2.
Variant type: single nucleotide variant.
Coding change: c.3593G>A on transcript NM_000090.4 (MANE Select); coding-DNA position 3593, G replaced by A.
Protein change: p.Gly1198Asp; replaces glycine 1198 with aspartic acid.
Molecular consequence: missense variant.
Genome position (GRCh38, 1-based): chr2:189,008,991, G>A. VCF-style: chr2-189008991-G-A. GRCh37 (hg19) VCF-style: chr2-189873717-G-A.
Other names: short protein forms G1198D.
Identifiers: ClinVar variation 655850 (VCV000655850.22), dbSNP rs756858564, ClinGen allele CA349846702.